The following is an entry in ClinVar:

NM_001267550.2(TTN):c.82200del (p.Asn27401fs)

Genes: TTN (titin; minus strand), TTN-AS1 (TTN antisense RNA 1; plus strand). Cytogenetic location: 2q31.2.
Variant type: Deletion.
Coding change: c.82200del on transcript NM_001267550.2 (MANE Select); coding-DNA position 82200, one base deleted (T; older notation c.82200delT).
Protein change: p.Asn27401fs; shifts the reading frame from asparagine 27401.
Molecular consequence: frameshift variant.
Genome position (GRCh38, 1-based): chr2:178,563,932, A deleted on the plus strand (T on the coding strand, the reverse complement: TTN is on the minus strand). VCF-style (leftmost placement, unchanged base first): chr2-178563931-TA-T. GRCh37 (hg19) VCF-style: chr2-179428658-TA-T.
Other names: c.77277del, p.Asn25760fs (NM_001256850.1); c.55005del, p.Asn18336fs (NM_003319.4); c.74496del, p.Asn24833fs (NM_133378.4); c.55380del, p.Asn18461fs (NM_133432.3); c.55581del, p.Asn18528fs (NM_133437.4); short protein forms N18336fs, N18461fs, N18528fs, N24833fs, N25760fs, N27401fs.
Identifiers: ClinVar variation 3755698 (VCV003755698.2).

ClinVar aggregate classification (germline): Likely pathogenic (1 of 4 stars; one submission).

Conditions:
Dilated cardiomyopathy 1G (CMD1G). Identifiers: Orphanet 154, MedGen C1858763, MONDO:0011400, OMIM 604145.
Autosomal recessive limb-girdle muscular dystrophy type 2J (LGMDR10). Also called: Limb-girdle muscular dystrophy, type 2J; MUSCULAR DYSTROPHY, LIMB-GIRDLE, AUTOSOMAL RECESSIVE 10. Identifiers: Orphanet 140922, MedGen C1837342, MONDO:0012127, OMIM 608807.

Submission:

Labcorp Genetics (formerly Invitae), Labcorp
Classification: Likely pathogenic for Dilated cardiomyopathy 1G; Autosomal recessive limb-girdle muscular dystrophy type 2J. Last evaluated: 2024-07-10. Review status: criteria provided, single submitter. Criteria: Invitae Variant Classification Sherloc (09022015). Collection method: clinical testing. Allele origin: germline.
Comment: This sequence change creates a premature translational stop signal (p.Asn27401Ilefs*47) in the TTN gene. While this is not anticipated to result in nonsense mediated decay, it is expected to create a truncated TTN protein. This variant is not present in population databases (gnomAD no frequency). This variant has not been reported in the literature in individuals affected with TTN-related conditions. This variant is located in the A band of TTN (PMID: 25589632). Truncating variants in this region are significantly overrepresented in patients affected with dilated cardiomyopathy (PMID: 25589632). Truncating variants in this region have also been reported in individuals affected with autosomal recessive centronuclear myopathy (PMID: 23975875). In summary, the currently available evidence indicates that the variant is pathogenic, but additional data are needed to prove that conclusively. Therefore, this variant has been classified as Likely Pathogenic.

Literature cited by the submitters: PubMed 25589632; PubMed 23975875.